The following is an entry in ClinVar:

NM_017950.4(CCDC40):c.2255T>C (p.Leu752Pro)

Gene: CCDC40 (coiled-coil domain 40 molecular ruler complex subunit; plus strand). Cytogenetic location: 17q25.3.
Variant type: single nucleotide variant.
Coding change: c.2255T>C on transcript NM_017950.4 (MANE Select); coding-DNA position 2255, T replaced by C.
Protein change: p.Leu752Pro; replaces leucine 752 with proline.
Molecular consequence: missense variant.
Genome position (GRCh38, 1-based): chr17:80,086,022, T>C. VCF-style: chr17-80086022-T-C. GRCh37 (hg19) VCF-style: chr17-78059821-T-C.
Other names: c.2255T>C, p.Leu752Pro (NM_001243342.2); short protein forms L752P.
Identifiers: ClinVar variation 178710 (VCV000178710.29), dbSNP rs117203086, ClinGen allele CA182832.

ClinVar aggregate classification (germline): Benign/Likely benign. Review status: criteria provided, multiple submitters, no conflicts (2 of 4 stars). 10 submissions from 10 submitters: Benign (6); Likely benign (4). Last evaluated 2026-02-02.

Conditions:
Primary ciliary dyskinesia. Also called: Ciliary dyskinesia. Identifiers: Orphanet 244, MedGen C0008780, MONDO:0016575, HP:0012265.
Primary ciliary dyskinesia 15. Also called: CILIARY DYSKINESIA, PRIMARY, 15, WITH OR WITHOUT SITUS INVERSUS. Identifiers: Orphanet 244, MedGen C3151137, MONDO:0013435, OMIM 613808.

Allele frequency attached by ClinVar (database versions not stated): 1000 Genomes Project 0.00779; 1000 Genomes Project 30x 0.00812; TOPMed 0.01485; gnomAD 0.01796 and 0.01848; ExAC 0.01821; ESP Exome Variant Server 0.01842; gnomAD exomes 0.01851.

Submissions (10):

Labcorp Genetics (formerly Invitae), Labcorp
Classification: Benign for Primary ciliary dyskinesia. Last evaluated: 2026-02-02. Review status: criteria provided, single submitter. Criteria: Invitae Variant Classification Sherloc (09022015). Collection method: clinical testing. Allele origin: germline.

Blueprint Genetics
Classification: Likely benign. Last evaluated: 2024-11-26. Review status: criteria provided, single submitter. Criteria: ACMG Guidelines, 2015. Collection method: clinical testing. Allele origin: germline.

ARUP Laboratories, Molecular Genetics and Genomics, ARUP Laboratories
Classification: Benign for Primary ciliary dyskinesia 15. Last evaluated: 2023-11-07. Review status: criteria provided, single submitter. Criteria: ARUP Molecular Germline Variant Investigation Process 2024. Collection method: clinical testing. Allele origin: germline.

Mayo Clinic Laboratories, Mayo Clinic
Classification: Benign. Last evaluated: 2023-07-07. Review status: criteria provided, single submitter. Criteria: ACMG Guidelines, 2015. Collection method: clinical testing. Allele origin: germline. Observed: 5 variant alleles.
Comment: BS1, BS2

GeneDx
Classification: Likely benign. Last evaluated: 2020-07-13. Review status: criteria provided, single submitter. Criteria: GeneDx Variant Classification Process June 2021. Collection method: clinical testing. Allele origin: germline. Affected: yes.

Illumina Laboratory Services, Illumina
Classification: Likely benign for Primary ciliary dyskinesia 15. Last evaluated: 2018-01-13. Review status: criteria provided, single submitter. Criteria: ICSL Variant Classification Criteria 13 December 2019. Collection method: clinical testing. Allele origin: germline.
Comment: This variant was observed in the ICSL laboratory as part of a predisposition screen in an ostensibly healthy population. It had not been previously curated by ICSL or reported in the Human Gene Mutation Database (HGMD: prior to June 1st, 2018), and was therefore a candidate for classification through an automated scoring system. Utilizing variant allele frequency, disease prevalence and penetrance estimates, and inheritance mode, an automated score was calculated to assess if this variant is too frequent to cause the disease. Based on the score and internal cut-off values, a variant classified as likely benign is not then subjected to further curation. The score for this variant resulted in a classification of likely benign for this disease.

Ambry Genetics
Classification: Benign for Primary ciliary dyskinesia. Last evaluated: 2016-07-09. Review status: criteria provided, single submitter. Criteria: Ambry Variant Classification Scheme 2023. Collection method: clinical testing. Allele origin: germline.

Laboratory for Molecular Medicine, Mass General Brigham Personalized Medicine
Classification: Benign. Last evaluated: 2013-02-21. Review status: criteria provided, single submitter. Criteria: LMM Criteria. Collection method: clinical testing. Allele origin: germline. Observed: 8 variant alleles.
Comment: Leu752Pro in exon 14 of CCDC40: This variant is not expected to have clinical si gnificance because it has been identified in 2.5% (203/8208) of European America n chromosomes from a broad population by the NHLBI Exome Sequencing Project (dbSNP rs117203086).

Breakthrough Genomics
Classification: Likely benign. Review status: criteria provided, single submitter. Criteria: ACMG Guidelines, 2015. Collection method: not provided. Allele origin: germline. Inheritance: Autosomal recessive inheritance. Affected: yes.

PreventionGenetics, part of Exact Sciences
Classification: Benign. Review status: criteria provided, single submitter. Criteria: ACMG Guidelines, 2015. Collection method: clinical testing. Allele origin: germline.